The following is an entry in ClinVar:

NM_002485.5(NBN):c.52C>A (p.Leu18Ile)

Gene: NBN (nibrin; minus strand). Cytogenetic location: 8q21.3.
Variant type: single nucleotide variant.
Coding change: c.52C>A on transcript NM_002485.5 (MANE Select); coding-DNA position 52, C replaced by A.
Protein change: p.Leu18Ile; replaces leucine 18 with isoleucine.
Molecular consequence: missense variant. On other transcripts: 5 prime UTR variant (1).
Genome position (GRCh38, 1-based): chr8:89,982,841, G>T on the plus strand (C>A on the coding strand, the complement: NBN is on the minus strand). VCF-style: chr8-89982841-G-T. GRCh37 (hg19) VCF-style: chr8-90995069-G-T.
Other names: c.-245C>A (NM_001024688.3); short protein forms L18I.
Identifiers: ClinVar variation 141689 (VCV000141689.32), dbSNP rs587781939, ClinGen allele CA166136.

ClinVar aggregate classification (germline): Uncertain significance. Review status: criteria provided, multiple submitters, no conflicts (2 of 4 stars). 8 submissions from 8 submitters: Uncertain significance (7). 1 of the submissions does not count toward it. Last evaluated 2025-02-13.

Conditions:
Hereditary cancer-predisposing syndrome. Also called: Neoplastic Syndromes, Hereditary; Hereditary Cancer Syndrome; Hereditary neoplastic syndrome; Tumor predisposition. Identifiers: Orphanet 140162, MedGen C0027672, MeSH D009386, MONDO:0015356.
Aplastic anemia. Identifiers: Orphanet 182040, Orphanet 88, MedGen C0002874, MONDO:0015909, OMIM 609135, HP:0001915.
Microcephaly, normal intelligence and immunodeficiency (NBS). Also called: Immunodeficiency, microcephaly with normal intelligence; SEEMANOVA SYNDROME II; Nijmegen breakage syndrome; Microcephaly with normal intelligence immunodeficiency and lymphoreticular malignancies; Nonsyndromal microcephaly autosomal recessive with normal intelligence; Seemanova syndrome 2. Identifiers: Orphanet 647, MedGen C0398791, MONDO:0009623, OMIM 251260.

Allele frequency attached by ClinVar (database versions not stated): gnomAD exomes 0.00001; ExAC 0.00002; gnomAD 0.00004 and 0.00005; TOPMed 0.00006.
gnomAD v4.1: 13 of 1,613,318 alleles (0.00081%); highest among the groups gnomAD compares: African/African-American, 0.017%; no homozygotes.

Submissions (8):

Quest Diagnostics Nichols Institute San Juan Capistrano
Classification: Uncertain significance. Last evaluated: 2025-02-13. Review status: criteria provided, single submitter. Criteria: Quest Diagnostics criteria. Collection method: clinical testing. Allele origin: unknown.
Comment: The NBN c.52C>A (p.Leu18Ile) variant has been reported in the published literature in an individual with breast cancer (PMID: 33646313 (2021)). The frequency of this variant in the general population (Genome Aggregation Database) is uninformative in the assessment of its pathogenicity. Analysis of this variant using bioinformatics tools for the prediction of the effect of amino acid changes on protein structure and function yielded conflicting predictions that this variant is benign or damaging. Based on the available information, we are unable to determine the clinical significance of this variant.

Women's Health and Genetics/Laboratory Corporation of America, LabCorp
Classification: Uncertain significance. Last evaluated: 2025-01-29. Review status: criteria provided, single submitter. Criteria: LabCorp Variant Classification Summary - May 2015. Collection method: clinical testing. Allele origin: germline.
Comment: Variant summary: NBN c.52C>A (p.Leu18Ile) results in a conservative amino acid change in the encoded protein sequence. Three of five in-silico tools predict a benign effect of the variant on protein function. The variant allele was found at a frequency of 8e-06 in 251306 control chromosomes. The available data on variant occurrences in the general population are insufficient to allow any conclusion about variant significance. c.52C>A has been reported in the literature in individuals affected with breast cancer or acute lymphoblastic leukemia (George_2021, Escherich_2024). These report(s) do not provide unequivocal conclusions about association of the variant with Hereditary Breast And Ovarian Cancer Syndrome. At least one publication reports experimental evidence evaluating an impact on protein function. These results showed no damaging effect of this variant (Escherich_2024). The following publications have been ascertained in the context of this evaluation (PMID: 38446568, 33646313). ClinVar contains an entry for this variant (Variation ID: 141689). Based on the evidence outlined above, the variant was classified as uncertain significance.

Labcorp Genetics (formerly Invitae), Labcorp
Classification: Uncertain significance for Microcephaly, normal intelligence and immunodeficiency. Last evaluated: 2024-07-08. Review status: criteria provided, single submitter. Criteria: Invitae Variant Classification Sherloc (09022015). Collection method: clinical testing. Allele origin: germline.
Comment: This sequence change replaces leucine, which is neutral and non-polar, with isoleucine, which is neutral and non-polar, at codon 18 of the NBN protein (p.Leu18Ile). This variant is present in population databases (rs587781939, gnomAD 0.02%). This variant has not been reported in the literature in individuals affected with NBN-related conditions. ClinVar contains an entry for this variant (Variation ID: 141689). An algorithm developed to predict the effect of missense changes on protein structure and function (PolyPhen-2) suggests that this variant is likely to be disruptive. In summary, the available evidence is currently insufficient to determine the role of this variant in disease. Therefore, it has been classified as a Variant of Uncertain Significance.

Baylor Genetics
Classification: Uncertain significance for Aplastic anemia. Last evaluated: 2023-12-17. Review status: criteria provided, single submitter. Criteria: ACMG Guidelines, 2015. Collection method: clinical testing. Allele origin: unknown.

Ambry Genetics
Classification: Uncertain significance for Hereditary cancer-predisposing syndrome. Last evaluated: 2023-03-01. Review status: criteria provided, single submitter. Criteria: Ambry Variant Classification Scheme 2023. Collection method: clinical testing. Allele origin: germline.
Comment: The p.L18I variant (also known as c.52C>A), located in coding exon 2 of the NBN gene, results from a C to A substitution at nucleotide position 52. The leucine at codon 18 is replaced by isoleucine, an amino acid with highly similar properties. This amino acid position is highly conserved in available vertebrate species. In addition, this alteration is predicted to be tolerated by in silico analysis. Since supporting evidence is limited at this time, the clinical significance of this alteration remains unclear.

Genome-Nilou Lab
Classification: Uncertain significance for Microcephaly, normal intelligence and immunodeficiency. Last evaluated: 2021-11-07. Review status: criteria provided, single submitter. Criteria: ACMG Guidelines, 2015. Collection method: clinical testing. Allele origin: germline. Affected: no.

GeneDx
Classification: Uncertain significance. Last evaluated: 2020-02-14. Review status: criteria provided, single submitter. Criteria: GeneDx Variant Classification Process June 2021. Collection method: clinical testing. Allele origin: germline. Affected: yes.
Comment: In silico analysis supports that this missense variant does not alter protein structure/function; Has not been previously published as pathogenic or benign to our knowledge

Natera, Inc.
Classification: Uncertain significance for Nijmegen breakage syndrome. Last evaluated: 2020-07-29. Review status: no assertion criteria provided. Collection method: clinical testing. Allele origin: germline. Not counted in ClinVar's aggregate classification.

Literature cited by the submitters: PubMed 33646313 (cited by 3 submitters); PubMed 38446568 (cited by Women's Health and Genetics/Laboratory Corporation of America, LabCorp).